The following is an entry in ClinVar:

NM_006904.7(PRKDC):c.3045T>A (p.Asp1015Glu)

Gene: PRKDC (protein kinase, DNA-activated, catalytic subunit; minus strand). Cytogenetic location: 8q11.21.
Variant type: single nucleotide variant.
Coding change: c.3045T>A on transcript NM_006904.7 (MANE Select); coding-DNA position 3045, T replaced by A.
Protein change: p.Asp1015Glu; replaces aspartic acid 1015 with glutamic acid.
Molecular consequence: missense variant.
Genome position (GRCh38, 1-based): chr8:47,902,793, A>T on the plus strand (T>A on the coding strand, the complement: PRKDC is on the minus strand). VCF-style: chr8-47902793-A-T. GRCh37 (hg19) VCF-style: chr8-48815353-A-T.
Other names: c.3045T>A, p.Asp1015Glu (NM_001081640.2); short protein forms D1015E.
Identifiers: ClinVar variation 3772497 (VCV003772497.13).

ClinVar aggregate classification (germline): Uncertain significance (1 of 4 stars; one submission).

Submission:

CeGaT Center for Human Genetics Tuebingen
Classification: Uncertain significance. Last evaluated: 2025-02-01. Review status: criteria provided, single submitter. Criteria: CeGaT Center For Human Genetics Tuebingen Variant Classification Criteria Version 2. Collection method: clinical testing. Allele origin: germline. Affected: yes. Observed: 1 variant allele.
Comment: PRKDC: PM2